The following is an entry in ClinVar:

NM_001267550.2(TTN):c.65590G>C (p.Asp21864His)

Genes: TTN (titin; minus strand), TTN-AS1 (TTN antisense RNA 1; plus strand). Cytogenetic location: 2q31.2.
Variant type: single nucleotide variant.
Coding change: c.65590G>C on transcript NM_001267550.2 (MANE Select); coding-DNA position 65590, G replaced by C.
Protein change: p.Asp21864His; replaces aspartic acid 21864 with histidine.
Molecular consequence: missense variant.
Genome position (GRCh38, 1-based): chr2:178,583,213, C>G on the plus strand (G>C on the coding strand, the complement: TTN is on the minus strand). VCF-style: chr2-178583213-C-G. GRCh37 (hg19) VCF-style: chr2-179447940-C-G.
Other names: p.Asp20223His; c.60667G>C, p.Asp20223His (NM_001256850.1); c.38395G>C, p.Asp12799His (NM_003319.4); c.57886G>C, p.Asp19296His (NM_133378.4); c.38770G>C, p.Asp12924His (NM_133432.3); c.38971G>C, p.Asp12991His (NM_133437.4); short protein forms D20223H, D21864H, D12799H, D12924H, D19296H, D12991H.
Identifiers: ClinVar variation 451385 (VCV000451385.14), dbSNP rs375149365, ClinGen allele CA1991675.
Genomic context (GRCh38, chr2:178,583,213, plus strand): 5'-CCAAGCAGACATTAGTTCCAGCTTTCACAGTAAGCAAAGATTTCATAGCCACACTCAGGT[C>G]TATCCTGGGAGGGACTGGAAAGAAATAAGATAAAGGACTTAATGTATGCAAAGCTATATT-3'
Protein context (NP_001254479.2, residues 21854-21874): ILAENVPPRI[Asp21864His]LSVAMKSLLT

ClinVar aggregate classification (germline): Uncertain significance. Review status: criteria provided, multiple submitters, no conflicts (2 of 4 stars). 11 submissions from 7 submitters: Uncertain significance (11). Last evaluated 2026-07-23.

Conditions:
Cardiovascular phenotype. Identifiers: MedGen CN230736.
Autosomal recessive limb-girdle muscular dystrophy type 2J (LGMDR10). Also called: Limb-girdle muscular dystrophy, type 2J; MUSCULAR DYSTROPHY, LIMB-GIRDLE, AUTOSOMAL RECESSIVE 10. Identifiers: Orphanet 140922, MedGen C1837342, MONDO:0012127, OMIM 608807.
Dilated cardiomyopathy 1G (CMD1G). Identifiers: Orphanet 154, MedGen C1858763, MONDO:0011400, OMIM 604145.
TTN-related disorder. Also called: TTN-related condition; TTN-related disease; TTN-related disorders.
Hypertrophic cardiomyopathy 9. Also called: Familial hypertrophic cardiomyopathy 9. Identifiers: MedGen C1861065, MONDO:0013412, OMIM 613765.
Myopathy, myofibrillar, 9, with early respiratory failure (MFM9). Also called: Hereditary myopathy with early respiratory failure; MYOPATHY, PROXIMAL, WITH EARLY RESPIRATORY MUSCLE INVOLVEMENT; EDSTROM MYOPATHY; Myopathy, distal, with early respiratory failure, autosomal dominant. Identifiers: Orphanet 178464, Orphanet 34521, MedGen C1863599, MONDO:0011362, OMIM 603689.
Tibial muscular dystrophy (TMD). Also called: Udd Distal Myopathy – Tibial Muscular Dystrophy; UDD MYOPATHY; Tibial muscular dystrophy, tardive. Identifiers: Orphanet 609, MedGen C1838244, MONDO:0010870, OMIM 600334.
Early-onset myopathy with fatal cardiomyopathy (CMYO5). Also called: Salih Myopathy; CONGENITAL MYOPATHY 5 WITH CARDIOMYOPATHY. Identifiers: Orphanet 289377, MedGen C2673677, MONDO:0012714, OMIM 611705. Disease mechanism: loss of function.

Allele frequency attached by ClinVar (database versions not stated): gnomAD 0.00003 and 0.00004; gnomAD exomes 0.00003 and 0.00002; ESP Exome Variant Server 0.00017; TOPMed 0.00002; ExAC 0.00003.
gnomAD v4.1: 47 of 1,603,300 alleles (0.0029%); highest among the groups gnomAD compares: Non-Finnish European, 0.0037%; no homozygotes.

Submissions (11):

PreventionGenetics, part of Exact Sciences
Classification: Uncertain significance for TTN-related condition. Last evaluated: 2026-07-23. Review status: criteria provided, single submitter. Criteria: ACMG Guidelines, 2015. Collection method: clinical testing. Allele origin: germline.
Comment: The TTN c.65590G>C variant is predicted to result in the amino acid substitution p.Asp21864His. To our knowledge, this variant has not been reported in the literature. This variant is reported in 0.0066% of alleles in individuals of African descent in gnomAD. At this time, the clinical significance of this variant is uncertain due to the absence of conclusive functional and genetic evidence.

Mayo Clinic Laboratories, Mayo Clinic
Classification: Uncertain significance. Last evaluated: 2023-02-21. Review status: criteria provided, single submitter. Criteria: ACMG Guidelines, 2015. Collection method: clinical testing. Allele origin: germline. Observed: 1 variant allele.
Comment: BP4

Fulgent Genetics
Classification: Uncertain significance for Tibial muscular dystrophy; Myopathy, myofibrillar, 9, with early respiratory failure; Dilated cardiomyopathy 1G; Autosomal recessive limb-girdle muscular dystrophy type 2J; Early-onset myopathy with fatal cardiomyopathy; Hypertrophic cardiomyopathy 9. Last evaluated: 2021-10-18. Review status: criteria provided, single submitter. Criteria: ACMG Guidelines, 2015. Collection method: clinical testing. Allele origin: unknown.

GeneDx
Classification: Uncertain significance. Last evaluated: 2020-10-27. Review status: criteria provided, single submitter. Criteria: GeneDx Variant Classification Process June 2021. Collection method: clinical testing. Allele origin: germline. Affected: yes.
Comment: This variant is associated with the following publications: (PMID: 23396983)

Ambry Genetics
Classification: Uncertain significance for Cardiovascular phenotype. Last evaluated: 2020-01-02. Review status: criteria provided, single submitter. Criteria: Ambry Variant Classification Scheme 2023. Collection method: clinical testing. Allele origin: germline.
Comment: The p.D12799H variant (also known as c.38395G>C), located in coding exon 140 of the TTN gene, results from a G to C substitution at nucleotide position 38395. The aspartic acid at codon 12799 is replaced by histidine, an amino acid with similar properties. This variant has been reported in a hypertrophic cardiomyopathy cohort; however, clinical details were limited and it co-occurred with variants in other cardiac-related genes (Lopes LR et al. J. Med. Genet., 2013 Apr;50:228-39).This amino acid position is poorly conserved in available vertebrate species. In addition, this alteration is predicted to be tolerated by in silico analysis. Since supporting evidence is limited at this time, the clinical significance of this alteration remains unclear.

Illumina Laboratory Services, Illumina
Classification: Uncertain significance for Early-onset myopathy with fatal cardiomyopathy. Last evaluated: 2018-01-15. Review status: criteria provided, single submitter. Criteria: ICSL Variant Classification Criteria 13 December 2019. Collection method: clinical testing. Allele origin: germline.

Illumina Laboratory Services, Illumina
Classification: Uncertain significance for Autosomal recessive limb-girdle muscular dystrophy type 2J. Last evaluated: 2018-01-15. Review status: criteria provided, single submitter. Criteria: ICSL Variant Classification Criteria 13 December 2019. Collection method: clinical testing. Allele origin: germline.

Illumina Laboratory Services, Illumina
Classification: Uncertain significance for Tibial muscular dystrophy. Last evaluated: 2018-01-15. Review status: criteria provided, single submitter. Criteria: ICSL Variant Classification Criteria 13 December 2019. Collection method: clinical testing. Allele origin: germline.

Illumina Laboratory Services, Illumina
Classification: Uncertain significance for Dilated cardiomyopathy 1G. Last evaluated: 2018-01-15. Review status: criteria provided, single submitter. Criteria: ICSL Variant Classification Criteria 13 December 2019. Collection method: clinical testing. Allele origin: germline.

Illumina Laboratory Services, Illumina
Classification: Uncertain significance for Myopathy, myofibrillar, 9, with early respiratory failure. Last evaluated: 2018-01-15. Review status: criteria provided, single submitter. Criteria: ICSL Variant Classification Criteria 13 December 2019. Collection method: clinical testing. Allele origin: germline.

Labcorp Genetics (formerly Invitae), Labcorp
Classification: Uncertain significance for Dilated cardiomyopathy 1G; Autosomal recessive limb-girdle muscular dystrophy type 2J. Last evaluated: 2017-09-12. Review status: criteria provided, single submitter. Criteria: Invitae Variant Classification Sherloc (09022015). Collection method: clinical testing. Allele origin: germline.

Literature cited by the submitters: PubMed 23396983 (cited by Mayo Clinic Laboratories, Mayo Clinic and Ambry Genetics).